The following is an entry in ClinVar:

NM_024876.4(COQ8B):c.645del (p.Phe215fs)

Gene: COQ8B (coenzyme Q8B; minus strand). Cytogenetic location: 19q13.2.
Variant type: Deletion.
Coding change: c.645del on transcript NM_024876.4 (MANE Select); coding-DNA position 645, one base deleted (T; older notation c.645delT).
Protein change: p.Phe215fs; shifts the reading frame from phenylalanine 215.
Molecular consequence: frameshift variant.
Genome position (GRCh38, 1-based): chr19:40,703,787, A deleted on the plus strand (T on the coding strand, the reverse complement: COQ8B is on the minus strand); the first of 3 consecutive A bases (chr19:40,703,787-40,703,789); deleting any one gives the same sequence. VCF-style (leftmost placement, unchanged base first): chr19-40703786-CA-C. GRCh37 (hg19) VCF-style: chr19-41209691-CA-C.
Other names: c.522del, p.Phe174fs (NM_001142555.3); short protein forms F174fs, F215fs.
Identifiers: ClinVar variation 375336 (VCV000375336.9), dbSNP rs764587648, ClinGen allele CA9450341.

ClinVar aggregate classification (germline): Pathogenic. Review status: criteria provided, multiple submitters, no conflicts (2 of 4 stars). 4 submissions from 4 submitters: Pathogenic (3). 1 of the submissions does not count toward it. Last evaluated 2024-12-24.

Conditions:
Nephrotic syndrome, type 9 (NPHS9). Identifiers: Orphanet 656, MedGen C3809965, MONDO:0014257, OMIM 615573.

Submissions (4):

Labcorp Genetics (formerly Invitae), Labcorp
Classification: Pathogenic. Last evaluated: 2024-12-24. Review status: criteria provided, single submitter. Criteria: Invitae Variant Classification Sherloc (09022015). Collection method: clinical testing. Allele origin: germline.
Comment: This sequence change creates a premature translational stop signal (p.Phe215Leufs*14) in the COQ8B gene. It is expected to result in an absent or disrupted protein product. Loss-of-function variants in COQ8B are known to be pathogenic (PMID: 24270420). This variant is present in population databases (rs764587648, gnomAD 0.006%). This premature translational stop signal has been observed in individual(s) with nephrotic syndrome (PMID: 24270420). ClinVar contains an entry for this variant (Variation ID: 375336). For these reasons, this variant has been classified as Pathogenic.

Bioscientia Institut fuer Medizinische Diagnostik GmbH, Sonic Healthcare
Classification: Pathogenic for Nephrotic syndrome, type 9. Last evaluated: 2024-10-10. Review status: criteria provided, single submitter. Criteria: ACMG Guidelines, 2015. Collection method: clinical testing. Allele origin: germline. Affected: yes.

Department of Pathology and Laboratory Medicine, Sinai Health System
Classification: Pathogenic for Nephrotic syndrome, type 9. Last evaluated: 2023-07-07. Review status: criteria provided, single submitter. Criteria: ACMG Guidelines, 2015. Collection method: research. Allele origin: germline.

GeneReviews
No classification provided. Condition: Nephrotic syndrome, type 9. Review status: no classification provided. Collection method: literature only. Allele origin: germline. Not counted in ClinVar's aggregate classification.

Literature cited by the submitters: PubMed 24270420 (cited by Labcorp Genetics (formerly Invitae), Labcorp and GeneReviews); NCBI Bookshelf NBK410087 (cited by GeneReviews).